The following is an entry in ClinVar:

NM_014396.4(VPS41):c.55T>C (p.Ser19Pro)

Gene: VPS41 (VPS41 subunit of HOPS complex; minus strand). Cytogenetic location: 7p14.1.
Variant type: single nucleotide variant.
Coding change: c.55T>C on transcript NM_014396.4 (MANE Select); coding-DNA position 55, T replaced by C.
Protein change: p.Ser19Pro; replaces serine 19 with proline.
Molecular consequence: missense variant.
Genome position (GRCh38, 1-based): chr7:38,898,096, A>G on the plus strand (T>C on the coding strand, the complement: VPS41 is on the minus strand). VCF-style: chr7-38898096-A-G. GRCh37 (hg19) VCF-style: chr7-38937696-A-G.
Other names: c.55T>C, p.Ser19Pro (NM_080631.4); short protein forms S19P.
Identifiers: ClinVar variation 4085119 (VCV004085119.8).
Genomic context (GRCh38, chr7:38,898,096, plus strand): 5'-CAAGAGAACAACGTGGTGAGCTACAAATCCGAGGGCTCCTGAGTCACCACCTTACCTCAG[A>G]CTCATCTGTAGATTCTTCAAGGGACCCAGTTTCCTATAAAGCATAGAAAAAGAAAATGGT-3'
Protein context (NP_055211.2, residues 9-29): TGSLEESTDE[Ser19Pro]EEEESEEEPK

ClinVar aggregate classification (germline): Uncertain significance (1 of 4 stars; one submission).

Submission:

CeGaT Center for Human Genetics Tuebingen
Classification: Uncertain significance. Last evaluated: 2025-07-01. Review status: criteria provided, single submitter. Criteria: CeGaT Center For Human Genetics Tuebingen Variant Classification Criteria Version 2. Collection method: clinical testing. Allele origin: germline. Affected: yes. Observed: 1 variant allele.
Comment: VPS41: PM2, PM3:Supporting